The following is an entry in ClinVar:

ClinVar aggregate classification (germline): Pathogenic (1 of 4 stars; one submission).

Submission:

Labcorp Genetics (formerly Invitae), Labcorp
Classification: Pathogenic. Last evaluated: 2022-10-19. Review status: criteria provided, single submitter. Criteria: Invitae Variant Classification Sherloc (09022015). Collection method: clinical testing. Allele origin: germline.
Comment: For these reasons, this variant has been classified as Pathogenic. This variant has not been reported in the literature in individuals affected with CDAN1-related conditions. A gross deletion of the genomic region encompassing the full coding sequence of the CDAN1 gene has been identified. Loss-of-function variants in CDAN1 are known to be pathogenic (PMID: 16098079, 16141353). The boundaries of this event are unknown as they extend beyond the assayed region for this gene and therefore may encompass additional genes.

Literature cited by the submitters: PubMed 16098079; PubMed 16141353.

NC_000015.9:g.(?_43016689)_(43398220_?)del

Genes: CDAN1 (codanin 1; minus strand), TTBK2 (tau tubulin kinase 2; minus strand), UBR1 (ubiquitin protein ligase E3 component n-recognin 1; minus strand). Cytogenetic location: 15q15.2.
Variant type: Deletion.
Identifiers: ClinVar variation 2427244 (VCV002427244.4).